The following is an entry in ClinVar:

ClinVar aggregate classification (germline): Uncertain significance (1 of 4 stars; one submission).

Conditions:
Ehlers-Danlos syndrome, musculocontractural type (EDSMC). Also called: ARTHROGRYPOSIS, DISTAL, WITH PECULIAR FACIES AND HYDRONEPHROSIS; DUNDAR SYNDROME; ADDUCTED THUMB-CLUBFOOT SYNDROME; Adducted thumb, clubfoot, progressive joint and skin laxity syndrome. Identifiers: Orphanet 2953, MedGen C1866294, MONDO:0011142.

Submission:

Labcorp Genetics (formerly Invitae), Labcorp
Classification: Uncertain significance for Ehlers-Danlos syndrome, musculocontractural type. Last evaluated: 2021-08-27. Review status: criteria provided, single submitter. Criteria: Invitae Variant Classification Sherloc (09022015). Collection method: clinical testing. Allele origin: germline.
Comment: A copy number gain of the genomic region encompassing the full coding sequence of the CHST14 gene has been identified. The boundaries of this event are unknown as they extend beyond the assayed region for this gene and therefore may encompass additional genes. As the precise location of this event is unknown, it may be in tandem or it may be located elsewhere in the genome. This variant has not been reported in the literature in individuals affected with CHST14-related conditions. Experimental studies and prediction algorithms are not available or were not evaluated, and the functional significance of this variant is currently unknown. In summary, the available evidence is currently insufficient to determine the role of this variant in disease. Therefore, it has been classified as a Variant of Uncertain Significance.

NC_000015.9:g.(?_40763403)_(40764553_?)dup

Gene: CHST14 (carbohydrate sulfotransferase 14; plus strand). Cytogenetic location: 15q15.1.
Variant type: Duplication.
Identifiers: ClinVar variation 1438044 (VCV001438044.3).